The following is an entry in ClinVar:

NM_001206927.2(DNAH8):c.11468C>T (p.Ala3823Val)

Genes: DNAH8 (dynein axonemal heavy chain 8; plus strand), DNAH8-AS1 (DNAH8 antisense RNA 1; minus strand). Cytogenetic location: 6p21.2.
Variant type: single nucleotide variant.
Coding change: c.11468C>T on transcript NM_001206927.2 (MANE Select); coding-DNA position 11468, C replaced by T.
Protein change: p.Ala3823Val; replaces alanine 3823 with valine.
Molecular consequence: missense variant.
Genome position (GRCh38, 1-based): chr6:38,935,602, C>T. VCF-style: chr6-38935602-C-T. GRCh37 (hg19) VCF-style: chr6-38903378-C-T.
Other names: c.10817C>T, p.Ala3606Val (NM_001371.4); short protein forms A3823V, A3606V.
Identifiers: ClinVar variation 569635 (VCV000569635.11), dbSNP rs185283741, ClinGen allele CA3791071.
Genomic context (GRCh38, chr6:38,935,602, plus strand): 5'-AATAACTGGTAATTATAGTTCCAATGTTATTTTTTGTTTTTTAATGACAGGAGTTAGAGG[C>T]TGAGAGGGTTAAACTTTTGGAGGATGTTACTTTTAATAAGCGGAAGATGAAAGAACTTGA-3'
Protein context (NP_001193856.1, residues 3813-3833): VILTEKQELE[Ala3823Val]ERVKLLEDVT

ClinVar aggregate classification (germline): Conflicting classifications of pathogenicity. Review status: criteria provided, conflicting classifications (1 of 4 stars). 5 submissions from 5 submitters: Uncertain significance (4); Likely benign (1). Last evaluated 2025-11-25.

Conditions:
Spermatogenic failure 46. Identifiers: MedGen C5436799, MONDO:0033673, OMIM 619095.
Primary ciliary dyskinesia. Also called: Ciliary dyskinesia. Identifiers: Orphanet 244, MedGen C0008780, MONDO:0016575, HP:0012265.

Allele frequency attached by ClinVar (database versions not stated): ESP Exome Variant Server 0.00023; TOPMed 0.00026; 1000 Genomes Project 30x 0.00031; gnomAD 0.00032 and 0.00034; gnomAD exomes 0.00037 and 0.00062; ExAC 0.00044.
gnomAD v4.1: 935 of 1,611,272 alleles (0.058%); highest among the groups gnomAD compares: Non-Finnish European, 0.073%; 2 homozygotes.

Submissions (5):

Ambry Genetics
Classification: Uncertain significance. Last evaluated: 2025-11-25. Review status: criteria provided, single submitter. Criteria: Ambry Variant Classification Scheme 2023. Collection method: clinical testing. Allele origin: germline.

Labcorp Genetics (formerly Invitae), Labcorp
Classification: Uncertain significance for Primary ciliary dyskinesia. Last evaluated: 2024-08-27. Review status: criteria provided, single submitter. Criteria: Invitae Variant Classification Sherloc (09022015). Collection method: clinical testing. Allele origin: germline.
Comment: This sequence change replaces alanine, which is neutral and non-polar, with valine, which is neutral and non-polar, at codon 3823 of the DNAH8 protein (p.Ala3823Val). This variant is present in population databases (rs185283741, gnomAD 0.06%). This variant has not been reported in the literature in individuals affected with DNAH8-related conditions. ClinVar contains an entry for this variant (Variation ID: 569635). Invitae Evidence Modeling of protein sequence and biophysical properties (such as structural, functional, and spatial information, amino acid conservation, physicochemical variation, residue mobility, and thermodynamic stability) indicates that this missense variant is not expected to disrupt DNAH8 protein function with a negative predictive value of 80%. In summary, the available evidence is currently insufficient to determine the role of this variant in disease. Therefore, it has been classified as a Variant of Uncertain Significance.

Blueprint Genetics
Classification: Likely benign. Last evaluated: 2024-07-12. Review status: criteria provided, single submitter. Criteria: ACMG Guidelines, 2015. Collection method: clinical testing. Allele origin: germline.

UNC Molecular Genetics  Laboratory, University of North Carolina at Chapel Hill
Classification: Uncertain significance for Primary ciliary dyskinesia. Last evaluated: 2022-02-03. Review status: criteria provided, single submitter. Criteria: ACMG Guidelines, 2015. Collection method: clinical testing. Allele origin: germline. Observed: 1 heterozygote.

Johns Hopkins Genomics, Johns Hopkins University
Classification: Uncertain significance for Spermatogenic failure 46. Last evaluated: 2021-01-19. Review status: criteria provided, single submitter. Criteria: ACMG Guidelines, 2015. Collection method: clinical testing. Allele origin: germline.
Comment: This DNAH8 variant (rs185283741) is present in a large population dataset (gnomAD: 102/280708 total alleles; 0.036%; no homozygotes) and has been reported in ClinVar. It has not been reported in the literature, to our knowledge. One bioinformatic tool queried predicts that this substitution would be tolerated, and the alanine residue at this position is poorly evolutionarily conserved across the species assessed. We consider the clinical significance of c.11432C>T to be uncertain at this time.